The following is an entry in ClinVar:

ClinVar aggregate classification (germline): Conflicting classifications of pathogenicity. Review status: criteria provided, conflicting classifications (1 of 4 stars). 2 submissions from 2 submitters: Uncertain significance (1); Likely benign (1). Last evaluated 2026-05-01.

Conditions:
Hereditary cancer-predisposing syndrome. Also called: Tumor predisposition; Hereditary neoplastic syndrome; Neoplastic Syndromes, Hereditary; Hereditary Cancer Syndrome. Identifiers: Orphanet 140162, MedGen C0027672, MeSH D009386, MONDO:0015356.
Carney complex, type 1 (CNC1). Also called: CARNEY COMPLEX, TYPE I; CARNEY MYXOMA-ENDOCRINE COMPLEX. Identifiers: Orphanet 1359, MedGen C2607929, MONDO:0008057, OMIM 160980.

Allele frequency attached by ClinVar (database versions not stated): gnomAD exomes below 0.00001.
gnomAD v4.1: 1 of 1,613,642 alleles (0.000062%); highest among the groups gnomAD compares: East Asian, 0.0022%; no homozygotes.

Submissions (2):

Ambry Genetics
Classification: Uncertain significance for Hereditary cancer-predisposing syndrome. Last evaluated: 2026-05-01. Review status: criteria provided, single submitter. Criteria: Ambry Variant Classification Scheme 2023. Collection method: clinical testing. Allele origin: germline.
Comment: The c.708+4A>G intronic variant results from an A to G substitution 4 nucleotides after coding exon 6 in the PRKAR1A gene. This nucleotide position is well conserved in available vertebrate species. In silico splice site analysis predicts that this alteration will not have any significant effect on splicing. Based on the available evidence, the clinical significance of this variant remains unclear.

Labcorp Genetics (formerly Invitae), Labcorp
Classification: Likely benign for Carney complex, type 1. Last evaluated: 2023-08-25. Review status: criteria provided, single submitter. Criteria: Invitae Variant Classification Sherloc (09022015). Collection method: clinical testing. Allele origin: germline.

NM_002734.5(PRKAR1A):c.708+4A>G

Gene: PRKAR1A (protein kinase cAMP-dependent type I regulatory subunit alpha; plus strand). Cytogenetic location: 17q24.2.
Variant type: single nucleotide variant.
Coding change: c.708+4A>G on transcript NM_002734.5 (MANE Select); 4 bases into the intron after coding-DNA position 708, A replaced by G.
Molecular consequence: intron variant.
Genome position (GRCh38, 1-based): chr17:68,525,916, A>G. VCF-style: chr17-68525916-A-G. GRCh37 (hg19) VCF-style: chr17-66522057-A-G.
Other names: c.708+4A>G (NM_002734.3, NM_001278433.2, NM_001369389.1 and 5 more transcripts).
Identifiers: ClinVar variation 2745341 (VCV002745341.4), dbSNP rs2509419785, ClinGen allele CA2639516717.